The following is an entry in ClinVar:

NM_002890.3(RASA1):c.539+298G>A

Gene: RASA1 (RAS p21 protein activator 1; plus strand). Cytogenetic location: 5q14.3.
Variant type: single nucleotide variant.
Coding change: c.539+298G>A on transcript NM_002890.3 (MANE Select); 298 bases into the intron after coding-DNA position 539, G replaced by A.
Molecular consequence: intron variant.
Genome position (GRCh38, 1-based): chr5:87,269,288, G>A. VCF-style: chr5-87269288-G-A. GRCh37 (hg19) VCF-style: chr5-86565105-G-A.
Other names: c.8+233G>A (NM_022650.3).
Identifiers: ClinVar variation 2500073 (VCV002500073.2), dbSNP rs778752048, ClinGen allele CA122462708.

ClinVar aggregate classification (germline): Uncertain significance (1 of 4 stars; one submission).

Conditions:
Basal cell carcinoma, susceptibility to, 1. Also called: BCC1. Identifiers: MedGen C2751544, MONDO:0011556, OMIM 605462.
Capillary malformation-arteriovenous malformation 1 (CMAVM1). Identifiers: Orphanet 137667, Orphanet 693907, MedGen C4747394, MONDO:0020783, OMIM 608354.

Allele frequency attached by ClinVar (database versions not stated): gnomAD 0.00003; TOPMed 0.00003.
gnomAD v4.1: 44 of 1,536,314 alleles (0.0029%); highest among the groups gnomAD compares: Non-Finnish European, 0.0036%; no homozygotes.

Submission:

Center for Genomics, Ann and Robert H. Lurie Children's Hospital of Chicago
Classification: Uncertain significance for Capillary malformation-arteriovenous malformation 1; Basal cell carcinoma, susceptibility to, 1. Review status: criteria provided, single submitter. Criteria: ACMG Guidelines, 2015. Collection method: clinical testing. Allele origin: germline.
Comment: RASA1 NM_022650.2 exon 1 c.8+233G>A: This variant has not been reported in the literature and is present in 0.004% (3/65260) of European alleles in the Genome Aggregation Database. This variant is a deep intronic variant with no predicted change in the amino acid sequence; computational tools do not suggest that it may alter splicing. However, further studies are needed to understand its impact. In summary, data on this variant suggests that this variant does not cause disease, but requires further evidence. Therefore this variant is classified as likely benign.